The following is an entry in ClinVar:

ClinVar aggregate classification (germline): Uncertain significance. Review status: criteria provided, multiple submitters, no conflicts (2 of 4 stars). 2 submissions from 2 submitters: Uncertain significance (2). Last evaluated 2025-07-14.

Conditions:
Hereditary cancer-predisposing syndrome. Also called: Hereditary Cancer Syndrome; Hereditary neoplastic syndrome; Tumor predisposition; Neoplastic Syndromes, Hereditary. Identifiers: Orphanet 140162, MedGen C0027672, MeSH D009386, MONDO:0015356.

Submissions (2):

Color Diagnostics, LLC DBA Color Health
Classification: Uncertain significance for Hereditary cancer-predisposing syndrome. Last evaluated: 2025-07-14. Review status: criteria provided, single submitter. Criteria: ACMG Guidelines, 2015. Collection method: clinical testing. Allele origin: germline.
Comment: This missense variant replaces alanine with valine at codon 808 of the PMS2 protein. Computational prediction suggests that this variant may have deleterious impact on protein structure and function. To our knowledge, functional studies have not been reported for this variant. This variant has not been reported in individuals affected with PMS2-related disorders in the literature. This variant has not been identified in the general population by the Genome Aggregation Database (gnomAD). The available evidence is insufficient to determine the role of this variant in disease conclusively. Therefore, this variant is classified as a Variant of Uncertain Significance.

Ambry Genetics
Classification: Uncertain significance for Hereditary cancer-predisposing syndrome. Last evaluated: 2024-05-18. Review status: criteria provided, single submitter. Criteria: Ambry Variant Classification Scheme 2023. Collection method: clinical testing. Allele origin: germline.
Comment: The p.A808V variant (also known as c.2423C>T), located in coding exon 14 of the PMS2 gene, results from a C to T substitution at nucleotide position 2423. The alanine at codon 808 is replaced by valine, an amino acid with similar properties. This amino acid position is conserved. In addition, this alteration is predicted to be deleterious by in silico analysis. Based on the available evidence, the clinical significance of this variant remains unclear.

NM_000535.7(PMS2):c.2423C>T (p.Ala808Val)

Gene: PMS2 (PMS1 homolog 2, mismatch repair system component; minus strand). Cytogenetic location: 7p22.1.
Variant type: single nucleotide variant.
Coding change: c.2423C>T on transcript NM_000535.7 (MANE Select); coding-DNA position 2423, C replaced by T.
Protein change: p.Ala808Val; replaces alanine 808 with valine.
Molecular consequence: missense variant. On other transcripts: non-coding transcript variant (1).
Genome position (GRCh38, 1-based): chr7:5,977,610, G>A on the plus strand (C>T on the coding strand, the complement: PMS2 is on the minus strand). VCF-style: chr7-5977610-G-A. GRCh37 (hg19) VCF-style: chr7-6017241-G-A.
Other names: c.2018C>T, p.Ala673Val (NM_001018040.1, NM_001322003.2, NM_001322004.2 and 12 more transcripts); c.2267C>T, p.Ala756Val (NM_001322006.2); c.2105C>T, p.Ala702Val (NM_001322007.2, NM_001322008.2, NM_001406883.1); c.2051C>T, p.Ala684Val (NM_001322009.2, NM_001406887.1, NM_001406888.1); c.1862C>T, p.Ala621Val (NM_001322010.2, NM_001406906.1, NM_001406907.1); c.1490C>T, p.Ala497Val (NM_001322011.2, NM_001322012.2); c.1850C>T, p.Ala617Val (NM_001322013.2, NM_001406908.1, NM_001406909.1); c.2456C>T, p.Ala819Val (NM_001322014.2); and 20 more; short protein forms A551V, A621V, A673V, A702V, A716V, A756V, A808V, A569V.
Identifiers: ClinVar variation 1791048 (VCV001791048.4), dbSNP rs1781819591, ClinGen allele CA366735601.